The following is an entry in ClinVar:

NM_153603.4(COG7):c.2052G>A (p.Ser684=)

Gene: COG7 (component of oligomeric golgi complex 7; minus strand). Cytogenetic location: 16p12.2.
Variant type: single nucleotide variant.
Coding change: c.2052G>A on transcript NM_153603.4 (MANE Select); coding-DNA position 2052, G replaced by A.
Protein change: p.Ser684=; no amino-acid change (serine 684 retained).
Molecular consequence: synonymous variant.
Genome position (GRCh38, 1-based): chr16:23,392,474, C>T on the plus strand (G>A on the coding strand, the complement: COG7 is on the minus strand). VCF-style: chr16-23392474-C-T. GRCh37 (hg19) VCF-style: chr16-23403795-C-T.
Identifiers: ClinVar variation 318463 (VCV000318463.51), dbSNP rs142744907, ClinGen allele CA7960800.

ClinVar aggregate classification (germline): Conflicting classifications of pathogenicity. Review status: criteria provided, conflicting classifications (1 of 4 stars). 6 submissions from 6 submitters: Uncertain significance (1); Likely benign (5). Last evaluated 2026-02-01.

Conditions:
COG7-related disorder. Also called: COG7-related condition.
COG7 congenital disorder of glycosylation (CDG2E). Also called: CONGENITAL DISORDER OF GLYCOSYLATION, TYPE IIe; CDG IIe. Identifiers: Orphanet 79333, MedGen C2931010, MONDO:0012118, OMIM 608779.

Allele frequency attached by ClinVar (database versions not stated): gnomAD exomes 0.00056; gnomAD 0.00057 and 0.00060; TOPMed 0.00057; ExAC 0.00063; ESP Exome Variant Server 0.00085.
gnomAD v4.1: 1,162 of 1,614,054 alleles (0.072%); highest among the groups gnomAD compares: Non-Finnish European, 0.091%; no homozygotes.

Submissions (6):

Labcorp Genetics (formerly Invitae), Labcorp
Classification: Likely benign for COG7 congenital disorder of glycosylation. Last evaluated: 2026-02-01. Review status: criteria provided, single submitter. Criteria: Invitae Variant Classification Sherloc (09022015). Collection method: clinical testing. Allele origin: germline.

PreventionGenetics, part of Exact Sciences
Classification: Likely benign for COG7-related condition. Last evaluated: 2025-05-29. Review status: criteria provided, single submitter. Criteria: ACMG Guidelines, 2015. Collection method: clinical testing. Allele origin: germline.
Comment: This variant is classified as likely benign based on ACMG/AMP sequence variant interpretation guidelines (Richards et al. 2015 PMID: 25741868, with internal and published modifications).

Blueprint Genetics
Classification: Likely benign. Last evaluated: 2024-11-20. Review status: criteria provided, single submitter. Criteria: ACMG Guidelines, 2015. Collection method: clinical testing. Allele origin: germline.

CeGaT Center for Human Genetics Tuebingen
Classification: Likely benign. Last evaluated: 2021-06-01. Review status: criteria provided, single submitter. Criteria: CeGaT Center For Human Genetics Tuebingen Variant Classification Criteria Version 2. Collection method: clinical testing. Allele origin: germline. Affected: yes. Observed: 1 variant allele.

GeneDx
Classification: Likely benign. Last evaluated: 2018-02-07. Review status: criteria provided, single submitter. Criteria: GeneDx Variant Classification (06012015). Collection method: clinical testing. Allele origin: germline. Affected: yes.
Comment: This variant is considered likely benign or benign based on one or more of the following criteria: it is a conservative change, it occurs at a poorly conserved position in the protein, it is predicted to be benign by multiple in silico algorithms, and/or has population frequency not consistent with disease.

Illumina Laboratory Services, Illumina
Classification: Uncertain significance for COG7 congenital disorder of glycosylation. Last evaluated: 2017-04-27. Review status: criteria provided, single submitter. Criteria: ICSL Variant Classification Criteria 13 December 2019. Collection method: clinical testing. Allele origin: germline.